The following is an entry in ClinVar:

NM_005909.5(MAP1B):c.4452_4456del (p.Met1484fs)

Gene: MAP1B (microtubule associated protein 1B; plus strand). Cytogenetic location: 5q13.2.
Variant type: Deletion.
Coding change: c.4452_4456del on transcript NM_005909.5 (MANE Select); coding-DNA positions 4452 to 4456, 5 bases deleted (GAGTT; older notation c.4452_4456delGAGTT).
Protein change: p.Met1484fs; shifts the reading frame from methionine 1484.
Molecular consequence: frameshift variant.
Genome position (GRCh38, 1-based): chr5:72,197,807-72,197,811, GAGTT deleted; deleting any 5 consecutive bases within chr5:72,197,806-72,197,811 gives the same sequence; the c. name uses the placement nearest the transcript's 3' end. VCF-style (leftmost placement, unchanged base first): chr5-72197805-ATGAGT-A. GRCh37 (hg19) VCF-style: chr5-71493632-ATGAGT-A.
Other names: c.4074_4078del, p.Met1358fs (NM_001324255.2); short protein forms M1358fs, M1484fs.
Identifiers: ClinVar variation 3027255 (VCV003027255.22), dbSNP rs2478579416, ClinGen allele CA2740091749.

ClinVar aggregate classification (germline): Likely pathogenic (1 of 4 stars; one submission).

Submission:

CeGaT Center for Human Genetics Tuebingen
Classification: Likely pathogenic. Last evaluated: 2024-02-01. Review status: criteria provided, single submitter. Criteria: CeGaT Center For Human Genetics Tuebingen Variant Classification Criteria Version 2. Collection method: clinical testing. Allele origin: germline. Affected: yes. Observed: 1 variant allele.
Comment: MAP1B: PVS1:Strong, PM2